The following is an entry in ClinVar:

ClinVar aggregate classification (germline): Uncertain significance (1 of 4 stars; one submission).

gnomAD v4.1: 2 of 1,563,696 alleles (0.00013%); highest among the groups gnomAD compares: South Asian, 0.0012%; no homozygotes.

Submission:

Ambry Genetics
Classification: Uncertain significance. Last evaluated: 2025-06-01. Review status: criteria provided, single submitter. Criteria: Ambry Variant Classification Scheme 2023. Collection method: clinical testing. Allele origin: germline.
Comment: The p.P682T variant (also known as c.2044C>A), located in coding exon 9 of the WNK2 gene, results from a C to A substitution at nucleotide position 2044. The proline at codon 682 is replaced by threonine, an amino acid with highly similar properties. This amino acid position is conserved. In addition, this alteration is predicted to be tolerated by in silico analysis. Based on the available evidence, the clinical significance of this variant remains unclear.

NM_006648.4(WNK2):c.2044C>A (p.Pro682Thr)

Gene: WNK2 (WNK lysine deficient protein kinase 2; plus strand). Cytogenetic location: 9q22.31.
Variant type: single nucleotide variant.
Coding change: c.2044C>A on transcript NM_006648.4 (MANE Select); coding-DNA position 2044, C replaced by A.
Protein change: p.Pro682Thr; replaces proline 682 with threonine.
Molecular consequence: missense variant.
Genome position (GRCh38, 1-based): chr9:93,256,308, C>A. VCF-style: chr9-93256308-C-A. GRCh37 (hg19) VCF-style: chr9-96018590-C-A.
Other names: c.2044C>A, p.Pro682Thr (NM_001282394.3); short protein forms P682T.
Identifiers: ClinVar variation 3982154 (VCV003982154.1).